The following is an entry in ClinVar:

ClinVar aggregate classification (germline): Uncertain significance. Review status: criteria provided, multiple submitters, no conflicts (2 of 4 stars). 3 submissions from 3 submitters: Uncertain significance (3). Last evaluated 2025-03-13.

Conditions:
PKHD1-related disorder. Also called: PKHD1-related condition.
Polycystic kidney disease 4 (PKD4). Also called: POLYCYSTIC KIDNEY AND HEPATIC DISEASE 1; POLYCYSTIC KIDNEY DISEASE, INFANTILE, TYPE I; PKD3; POLYCYSTIC KIDNEY DISEASE 4 WITH OR WITHOUT POLYCYSTIC LIVER DISEASE; Autosomal Recessive Polycystic Kidney Disease – PKHD1. Identifiers: MedGen C4540575, MONDO:0033004, OMIM 263200.

Allele frequency attached by ClinVar (database versions not stated): gnomAD 0.00001; TOPMed 0.00001; gnomAD exomes 0.00004.
gnomAD v4.1: 59 of 1,613,834 alleles (0.0037%); highest among the groups gnomAD compares: Non-Finnish European, 0.0049%; no homozygotes.

Submissions (3):

Victorian Clinical Genetics Services, Murdoch Childrens Research Institute
Classification: Uncertain significance for Polycystic kidney disease 4. Last evaluated: 2025-03-13. Review status: criteria provided, single submitter. Criteria: ACMG Guidelines, 2015. Collection method: clinical testing. Allele origin: germline. Affected: yes.
Comment: This variant is classified as VUS-3B. Evidence in support of pathogenic classification: Variant is predicted to result in an elongated protein; Variant is present in gnomAD <0.01 for a recessive condition (v4: 59 heterozygote(s), 0 homozygote(s)). Additional information: This variant is heterozygous; This gene is associated with autosomal recessive disease; however, there are emerging reports of heterozygous carriers of PKHD1 variants developing liver cysts and nephrocalcinosis (PMID: 21945273, 36691356); Alternative amino acid change(s) at the same position are present in gnomAD (highest allele count: v4: 1 heterozygote(s), 0 homozygote(s)); Previous evidence of pathogenicity for this variant is inconclusive. No published segregation evidence has been identified for this variant; No published functional evidence has been identified for this variant; No comparable extension variants have previous evidence for pathogenicity; Loss of function is a known mechanism of disease in this gene and is associated with polycystic kidney disease 4, with or without hepatic disease (MIM#263200); Variants in this gene are known to have variable expressivity. Significant intrafamilial variability has been reported (PMID: 20301501); Inheritance information for this variant is not currently available in this individual.

PreventionGenetics, part of Exact Sciences
Classification: Uncertain significance for PKHD1-related condition. Last evaluated: 2024-11-16. Review status: criteria provided, single submitter. Criteria: ACMG Guidelines, 2015. Collection method: clinical testing. Allele origin: germline.
Comment: The PKHD1 c.12225A>T variant is predicted to result in extension of the open reading frame (p.*4075Cysext*25). To our knowledge, this variant has not been reported in the literature or in a large population database (gnomAD), indicating this variant is rare. A frameshift variant c.12186del (p.His4063Ilefs*22), resulting in a protein elongation (the normal protein stops at codon 4075), was reported in a patient with autosomal recessive polycystic kidney disease (ARPKD), but the second plausibly pathogenic variant was not found and therefore the pathogenicity of the protein elongation variant is uncertain (Table S2 in Denamur et al. 2010. PubMed ID: 19940839). To our knowledge, no more downstream (more 3') truncating variants than p.Gln4075*Cysext*25 in this gene have been reported to be conclusively pathogenic in the literature. Although we suspect that this variant could be pathogenic, at this time, the clinical significance of this variant is uncertain due to the absence of conclusive functional and genetic evidence.

Eurofins Ntd Llc (ga)
Classification: Uncertain significance. Last evaluated: 2016-11-02. Review status: criteria provided, single submitter. Criteria: EGL Classification Definitions 2015. Collection method: clinical testing. Allele origin: germline. Observed: 1 variant allele, 1 heterozygote.

Literature cited by the submitters: PubMed 20301501 (cited by Victorian Clinical Genetics Services, Murdoch Childrens Research Institute); PubMed 36691356 (cited by Victorian Clinical Genetics Services, Murdoch Childrens Research Institute); PubMed 21945273 (cited by Victorian Clinical Genetics Services, Murdoch Childrens Research Institute).

NM_138694.4(PKHD1):c.12225A>T (p.Ter4075Cys)

Gene: PKHD1 (PKHD1 ciliary IPT domain containing fibrocystin/polyductin; minus strand). Cytogenetic location: 6p12.3.
Variant type: single nucleotide variant.
Coding change: c.12225A>T on transcript NM_138694.4 (MANE Select); coding-DNA position 12225, A replaced by T.
Protein change: p.Ter4075Cys.
Molecular consequence: stop lost.
Genome position (GRCh38, 1-based): chr6:51,619,081, T>A on the plus strand (A>T on the coding strand, the complement: PKHD1 is on the minus strand). VCF-style: chr6-51619081-T-A. GRCh37 (hg19) VCF-style: chr6-51483879-T-A.
Other names: *4075C.
Identifiers: ClinVar variation 498395 (VCV000498395.9), dbSNP rs1347911533, ClinGen allele CA364416605.